The following is an entry in ClinVar:

NM_000038.6(APC):c.916A>C (p.Ser306Arg)

Gene: APC (APC regulator of Wnt signaling pathway; plus strand). Cytogenetic location: 5q22.2.
Variant type: single nucleotide variant.
Coding change: c.916A>C on transcript NM_000038.6 (MANE Select); coding-DNA position 916, A replaced by C.
Protein change: p.Ser306Arg; replaces serine 306 with arginine.
Molecular consequence: missense variant.
Genome position (GRCh38, 1-based): chr5:112,815,576, A>C. VCF-style: chr5-112815576-A-C. GRCh37 (hg19) VCF-style: chr5-112151273-A-C.
Other names: c.916A>C, p.Ser306Arg (NM_001127510.3, NM_001354895.2, NM_001354896.2 and 1 more transcripts); c.862A>C, p.Ser288Arg (NM_001127511.3); c.946A>C, p.Ser316Arg (NM_001354897.2, NM_001354902.2); c.841A>C, p.Ser281Arg (NM_001354898.2, NM_001354904.2); c.832A>C, p.Ser278Arg (NM_001354899.2); c.739A>C, p.Ser247Arg (NM_001354900.2, NM_001354901.2, NM_001354905.2); c.67A>C, p.Ser23Arg (NM_001354906.2); short protein forms S247R, S278R, S281R, S288R, S306R, S316R, S23R.
Identifiers: ClinVar variation 919990 (VCV000919990.4), dbSNP rs1554079212, ClinGen allele CA16023314.
Genomic context (GRCh38, chr5:112,815,576, plus strand): 5'-CATGAAACAGCCAGTGTTTTGAGTTCTAGTAGCACACACTCTGCACCTCGAAGGCTGACA[A>C]GTCATCTGGGAACCAAGGTAACAGAAGATTACAAACCCTGGTCACTAATGCCATGACTAC-3'
Protein context (NP_000029.2, residues 296-316): STHSAPRRLT[Ser306Arg]HLGTKVEMVY

ClinVar aggregate classification (germline): Uncertain significance (1 of 4 stars; one submission).

Conditions:
Hereditary cancer-predisposing syndrome. Also called: Neoplastic Syndromes, Hereditary; Tumor predisposition; Hereditary Cancer Syndrome; Hereditary neoplastic syndrome. Identifiers: Orphanet 140162, MedGen C0027672, MeSH D009386, MONDO:0015356.

Submission:

Color Diagnostics, LLC DBA Color Health
Classification: Uncertain significance for Hereditary cancer-predisposing syndrome. Last evaluated: 2023-12-05. Review status: criteria provided, single submitter. Criteria: ACMG Guidelines, 2015. Collection method: clinical testing. Allele origin: germline.
Comment: This missense variant replaces serine with arginine at codon 306 of the APC protein. Computational prediction is inconclusive regarding the impact of this variant on protein structure and function (internally defined REVEL score threshold 0.5 < inconclusive < 0.7, PMID: 27666373). To our knowledge, functional studies have not been reported for this variant. This variant has not been reported in individuals affected with APC-related disorders in the literature. This variant has not been identified in the general population by the Genome Aggregation Database (gnomAD). The available evidence is insufficient to determine the role of this variant in disease conclusively. Therefore, this variant is classified as a Variant of Uncertain Significance.